The following is an entry in ClinVar:

NM_003119.4(SPG7):c.1644C>T (p.Ala548=)

Gene: SPG7 (SPG7 matrix AAA peptidase subunit, paraplegin; plus strand). Cytogenetic location: 16q24.3.
Variant type: single nucleotide variant.
Coding change: c.1644C>T on transcript NM_003119.4 (MANE Select); coding-DNA position 1644, C replaced by T.
Protein change: p.Ala548=; no amino-acid change (alanine 548 retained).
Molecular consequence: synonymous variant.
Genome position (GRCh38, 1-based): chr16:89,548,094, C>T. VCF-style: chr16-89548094-C-T. GRCh37 (hg19) VCF-style: chr16-89614502-C-T.
Other names: c.1644C>T, p.Ala548= (NM_001363850.1).
Identifiers: ClinVar variation 465173 (VCV000465173.12), dbSNP rs145441974, ClinGen allele CA8244293.

ClinVar aggregate classification (germline): Likely benign. Review status: criteria provided, multiple submitters, no conflicts (2 of 4 stars). 4 submissions from 4 submitters: Likely benign (4). Last evaluated 2024-07-16.

Conditions:
Hereditary spastic paraplegia 7 (SPG7). Also called: SPG7-related neurologic disorder; SPASTIC PARAPLEGIA 7, AUTOSOMAL RECESSIVE, WITH OR WITHOUT CEREBELLAR ATAXIA; Autosomal recessive spastic paraplegia type 7; Spastic paraplegia 7; Hereditary spastic paraplegia Paraplegin type. Identifiers: Orphanet 99013, MedGen C1846564, MONDO:0011803, OMIM 607259.

Allele frequency attached by ClinVar (database versions not stated): gnomAD 0.00003 and 0.00001; gnomAD exomes 0.00004 and 0.00015; ESP Exome Variant Server 0.00008; TOPMed 0.00008; ExAC 0.00010; 1000 Genomes Project 30x 0.00031; 1000 Genomes Project 0.00040.
gnomAD v4.1: 87 of 1,606,506 alleles (0.0054%); highest among the groups gnomAD compares: East Asian, 0.058%; no homozygotes.

Submissions (4):

Blueprint Genetics
Classification: Likely benign. Last evaluated: 2024-07-16. Review status: criteria provided, single submitter. Criteria: ACMG Guidelines, 2015. Collection method: clinical testing. Allele origin: germline.

Labcorp Genetics (formerly Invitae), Labcorp
Classification: Likely benign for Hereditary spastic paraplegia 7. Last evaluated: 2024-05-31. Review status: criteria provided, single submitter. Criteria: Invitae Variant Classification Sherloc (09022015). Collection method: clinical testing. Allele origin: germline.

GeneDx
Classification: Likely benign. Last evaluated: 2017-12-04. Review status: criteria provided, single submitter. Criteria: GeneDx Variant Classification (06012015). Collection method: clinical testing. Allele origin: germline. Affected: yes.
Comment: This variant is considered likely benign or benign based on one or more of the following criteria: it is a conservative change, it occurs at a poorly conserved position in the protein, it is predicted to be benign by multiple in silico algorithms, and/or has population frequency not consistent with disease.

Breakthrough Genomics
Classification: Likely benign. Review status: criteria provided, single submitter. Criteria: ACMG Guidelines, 2015. Collection method: not provided. Allele origin: germline. Inheritance: Autosomal recessive inheritance. Affected: yes.